The following is an entry in ClinVar:

ClinVar aggregate classification (germline): Uncertain significance (1 of 4 stars; one submission).

Submission:

Labcorp Genetics (formerly Invitae), Labcorp
Classification: Uncertain significance. Last evaluated: 2020-12-31. Review status: criteria provided, single submitter. Criteria: Invitae Variant Classification Sherloc (09022015). Collection method: clinical testing. Allele origin: germline.
Comment: This sequence change replaces leucine with proline at codon 481 of the LZTR1 protein (p.Leu481Pro). The leucine residue is moderately conserved and there is a moderate physicochemical difference between leucine and proline. This variant is not present in population databases (ExAC no frequency). In summary, the available evidence is currently insufficient to determine the role of this variant in disease. Therefore, it has been classified as a Variant of Uncertain Significance. Algorithms developed to predict the effect of missense changes on protein structure and function (SIFT, PolyPhen-2, Align-GVGD) all suggest that this variant is likely to be tolerated, but these predictions have not been confirmed by published functional studies and their clinical significance is uncertain. This variant has not been reported in the literature in individuals with LZTR1-related conditions.

NM_006767.4(LZTR1):c.1442T>C (p.Leu481Pro)

Gene: LZTR1 (leucine zipper like post translational regulator 1; plus strand). Cytogenetic location: 22q11.21.
Variant type: single nucleotide variant.
Coding change: c.1442T>C on transcript NM_006767.4 (MANE Select); coding-DNA position 1442, T replaced by C.
Protein change: p.Leu481Pro; replaces leucine 481 with proline.
Molecular consequence: missense variant.
Genome position (GRCh38, 1-based): chr22:20,994,012, T>C. VCF-style: chr22-20994012-T-C. GRCh37 (hg19) VCF-style: chr22-21348301-T-C.
Other names: short protein forms L481P.
Identifiers: ClinVar variation 1411580 (VCV001411580.8), dbSNP rs2147967125, ClinGen allele CA410775354.